The following is an entry in ClinVar:

NM_172107.4(KCNQ2):c.2361_2364del (p.Ile788fs)

Gene: KCNQ2 (potassium voltage-gated channel subfamily Q member 2; minus strand). Cytogenetic location: 20q13.33.
Variant type: Deletion.
Coding change: c.2361_2364del on transcript NM_172107.4 (MANE Select); coding-DNA positions 2361 to 2364, 4 bases deleted (CATC; older notation c.2361_2364delCATC).
Protein change: p.Ile788fs; shifts the reading frame from isoleucine 788.
Molecular consequence: frameshift variant.
Genome position (GRCh38, 1-based): chr20:63,406,899-63,406,902, GATG deleted on the plus strand (CATC on the coding strand, the reverse complement: KCNQ2 is on the minus strand); deleting any 4 consecutive bases within chr20:63,406,899-63,406,904 gives the same sequence; the c. name uses the placement nearest the transcript's 3' end. VCF-style (leftmost placement, unchanged base first): chr20-63406898-AGATG-A. GRCh37 (hg19) VCF-style: chr20-62038251-AGATG-A.
Other names: c.2415_2418del, p.Ile806fs (NM_001382235.1); c.2277_2280del, p.Ile760fs (NM_004518.6); c.2307_2310del, p.Ile770fs (NM_172106.3); c.2268_2271del, p.Ile757fs (NM_172108.5); short protein forms I760fs, I770fs, I788fs, I806fs, I757fs.
Identifiers: ClinVar variation 1999689 (VCV001999689.4), dbSNP rs2516095389, ClinGen allele CA2580098403.

ClinVar aggregate classification (germline): Pathogenic (1 of 4 stars; one submission).

Conditions:
Early-infantile DEE. Also called: Ohtahara syndrome; Early infantile epileptic encephalopathy; Early infantile epileptic encephalopathy with suppression bursts. Identifiers: Orphanet 1934, MedGen C0393706, MONDO:0800491.

Submission:

Labcorp Genetics (formerly Invitae), Labcorp
Classification: Pathogenic for Early-infantile DEE. Last evaluated: 2022-05-27. Review status: criteria provided, single submitter. Criteria: Invitae Variant Classification Sherloc (09022015). Collection method: clinical testing. Allele origin: germline.
Comment: For these reasons, this variant has been classified as Pathogenic. This variant results in an extension of the KCNQ2 protein. Other variant(s) that result in a similarly extended protein product (p.Gly866Alafs*64) have been determined to be pathogenic (PMID: 10482260, 21937445). This suggests that these extensions are likely to be disease-causing. This variant has not been reported in the literature in individuals affected with KCNQ2-related conditions. This variant is not present in population databases (gnomAD no frequency). This sequence change results in a frameshift in the KCNQ2 gene (p.Ile788Profs*141). While this is not anticipated to result in nonsense mediated decay, it is expected to disrupt the last 85 amino acid(s) of the KCNQ2 protein and extend the protein by 55 additional amino acid residues.

Literature cited by the submitters: PubMed 10482260; PubMed 21937445.